The following is an entry in ClinVar:

NM_015164.4(PLEKHM2):c.1495G>T (p.Ala499Ser)

Gene: PLEKHM2 (pleckstrin homology and RUN domain containing M2; plus strand). Cytogenetic location: 1p36.21.
Variant type: single nucleotide variant.
Coding change: c.1495G>T on transcript NM_015164.4 (MANE Select); coding-DNA position 1495, G replaced by T.
Protein change: p.Ala499Ser; replaces alanine 499 with serine.
Molecular consequence: missense variant.
Genome position (GRCh38, 1-based): chr1:15,727,567, G>T. VCF-style: chr1-15727567-G-T. GRCh37 (hg19) VCF-style: chr1-16054062-G-T.
Other names: short protein forms A499S.
Identifiers: ClinVar variation 544347 (VCV000544347.9), dbSNP rs202014397, ClinGen allele CA616947.
Genomic context (GRCh38, chr1:15,727,567, plus strand): 5'-GGCGGCCACCATGACCCTGCAGGGCTTGGCCAACCGCTGCATGTTCCTAGTAGCCCTGAG[G>T]CTGCTGGCCAAGAAGAAGAGGGAGGAGGAGGAGAGGGACAGACGCCTCGGCCCCTAGAGG-3'
Protein context (NP_055979.2, residues 489-509): QPLHVPSSPE[Ala499Ser]AGQEEEGGGG

ClinVar aggregate classification (germline): Uncertain significance. Review status: criteria provided, multiple submitters, no conflicts (2 of 4 stars). 2 submissions from 2 submitters: Uncertain significance (2). Last evaluated 2025-10-07.

Allele frequency attached by ClinVar (database versions not stated): gnomAD exomes 0.00002 and 0.00003; ExAC 0.00009; gnomAD 0.00019 and 0.00021; TOPMed 0.00022; ESP Exome Variant Server 0.00033.
gnomAD v4.1: 62 of 1,575,660 alleles (0.0039%); highest among the groups gnomAD compares: African/African-American, 0.076%; no homozygotes.

Submissions (2):

Labcorp Genetics (formerly Invitae), Labcorp
Classification: Uncertain significance. Last evaluated: 2025-10-07. Review status: criteria provided, single submitter. Criteria: Invitae Variant Classification Sherloc (09022015). Collection method: clinical testing. Allele origin: germline.
Comment: This sequence change replaces alanine, which is neutral and non-polar, with serine, which is neutral and polar, at codon 499 of the PLEKHM2 protein (p.Ala499Ser). This variant is present in population databases (rs202014397, gnomAD 0.06%). This variant has not been reported in the literature in individuals affected with PLEKHM2-related conditions. ClinVar contains an entry for this variant (Variation ID: 544347). An algorithm developed to predict the effect of missense changes on protein structure and function (PolyPhen-2) suggests that this variant is likely to be tolerated. In summary, the available evidence is currently insufficient to determine the role of this variant in disease. Therefore, it has been classified as a Variant of Uncertain Significance.

Ambry Genetics
Classification: Uncertain significance. Last evaluated: 2023-12-16. Review status: criteria provided, single submitter. Criteria: Ambry Variant Classification Scheme 2023. Collection method: clinical testing. Allele origin: germline.